The following is an entry in ClinVar:

ClinVar aggregate classification (germline): Uncertain significance (1 of 4 stars; one submission).

Conditions:
Hereditary cancer-predisposing syndrome. Also called: Hereditary Cancer Syndrome; Hereditary neoplastic syndrome; Neoplastic Syndromes, Hereditary; Tumor predisposition. Identifiers: Orphanet 140162, MedGen C0027672, MeSH D009386, MONDO:0015356.

Submission:

Ambry Genetics
Classification: Uncertain significance for Hereditary cancer-predisposing syndrome. Last evaluated: 2025-04-04. Review status: criteria provided, single submitter. Criteria: Ambry Variant Classification Scheme 2023. Collection method: clinical testing. Allele origin: germline.
Comment: The c.115-16T>A intronic variant results from a T to A substitution 16 nucleotides upstream from coding exon 2 in the NF2 gene. This nucleotide position is highly conserved in available vertebrate species. In silico splice site analysis predicts that this alteration will weaken the native splice acceptor site and will result in the creation or strengthening of a novel splice acceptor site; however, direct evidence is insufficient at this time (Ambry internal data). This variant has been observed in at least one individual with a personal history that is consistent with NF2-related schwannomatosis (Ambry internal data). Based on the available evidence, the clinical significance of this variant remains unclear.

NM_000268.4(NF2):c.115-16T>A

Gene: NF2 (NF2, moesin-ezrin-radixin like (MERLIN) tumor suppressor; plus strand). Cytogenetic location: 22q12.2.
Variant type: single nucleotide variant.
Coding change: c.115-16T>A on transcript NM_000268.4 (MANE Select); 16 bases into the intron before coding-DNA position 115, T replaced by A.
Molecular consequence: intron variant.
Genome position (GRCh38, 1-based): chr22:29,636,735, T>A. VCF-style: chr22-29636735-T-A. GRCh37 (hg19) VCF-style: chr22-30032724-T-A.
Other names: c.115-16T>A (NM_016418.5, NM_181832.3, NM_001407060.1 and 9 more transcripts); c.1-16T>A (NM_001407056.1, NM_001407053.1); c.-142-16T>A (NM_001407067.1); c.-526-16T>A (NM_001407065.1); c.115-2355T>A (NM_181828.3, NM_001407055.1); c.115-5467T>A (NM_001407063.1, NM_181830.3, NM_001407064.1 and 1 more transcripts).
Identifiers: ClinVar variation 3919127 (VCV003919127.1).